The following is an entry in ClinVar:

NM_000059.4(BRCA2):c.9541_9554del (p.Met3181fs)

Gene: BRCA2 (BRCA2 DNA repair associated; plus strand). Cytogenetic location: 13q13.1.
Variant type: Deletion.
Coding change: c.9541_9554del on transcript NM_000059.4 (MANE Select); coding-DNA positions 9541 to 9554, 14 bases deleted (ATGCATATACTGCA).
Protein change: p.Met3181fs; shifts the reading frame from methionine 3181.
Molecular consequence: frameshift variant.
Genome position (GRCh38, 1-based): chr13:32,396,937-32,396,950, ATGCATATACTGCA deleted. VCF-style (leftmost placement, unchanged base first): chr13-32396936-TATGCATATACTGCA-T. GRCh37 (hg19) VCF-style: chr13-32971073-TATGCATATACTGCA-T.
Other names: 9769del14; c.9541_9554delATGCATATACTGCA (NM_000059.3); short protein forms M3181fs.
Identifiers: ClinVar variation 52866 (VCV000052866.4), dbSNP rs397508062, ClinGen allele CA026204.

ClinVar aggregate classification (germline): Pathogenic. Review status: reviewed by expert panel (3 of 4 stars). 2 submissions from 2 submitters: Pathogenic (1). 1 of the submissions does not count toward it. Last evaluated 2016-09-08.

Conditions:
Breast-ovarian cancer, familial, susceptibility to, 2 (BROVCA2). Also called: BRCA2 Hereditary Breast and Ovarian Cancer. Identifiers: Orphanet 145, MedGen C2675520, MONDO:0012933, OMIM 612555. Disease mechanism: loss of function.

Submissions (2):

Evidence-based Network for the Interpretation of Germline Mutant Alleles (ENIGMA)
Classification: Pathogenic for Breast-ovarian cancer, familial, susceptibility to, 2. Last evaluated: 2016-09-08. Review status: reviewed by expert panel. Criteria: ENIGMA BRCA1/2 Classification Criteria (2015). Collection method: curation. Allele origin: germline.
Comment: Variant allele predicted to encode a truncated non-functional protein.

Sharing Clinical Reports Project (SCRP)
Classification: Pathogenic for Breast-ovarian cancer, familial 2. Last evaluated: 2010-03-17. Review status: no assertion criteria provided. Collection method: clinical testing. Allele origin: germline. Not counted in ClinVar's aggregate classification.